The following is an entry in ClinVar:

NM_001205293.3(CACNA1E):c.2948+6T>C

Gene: CACNA1E (calcium voltage-gated channel subunit alpha1 E; plus strand). Cytogenetic location: 1q25.3.
Variant type: single nucleotide variant.
Coding change: c.2948+6T>C on transcript NM_001205293.3 (MANE Select); 6 bases into the intron after coding-DNA position 2948, T replaced by C.
Molecular consequence: intron variant.
Genome position (GRCh38, 1-based): chr1:181,733,040, T>C. VCF-style: chr1-181733040-T-C. GRCh37 (hg19) VCF-style: chr1-181702176-T-C.
Other names: c.2948+6T>C (NM_000721.4); c.2891+6T>C (NM_001205294.2).
Identifiers: ClinVar variation 3677346 (VCV003677346.2).

ClinVar aggregate classification (germline): Uncertain significance (1 of 4 stars; one submission).

Submission:

Labcorp Genetics (formerly Invitae), Labcorp
Classification: Uncertain significance. Last evaluated: 2025-12-22. Review status: criteria provided, single submitter. Criteria: Invitae Variant Classification Sherloc (09022015). Collection method: clinical testing. Allele origin: germline.
Comment: This sequence change falls in intron 20 of the CACNA1E gene. It does not directly change the encoded amino acid sequence of the CACNA1E protein. It affects a nucleotide within the consensus splice site. This variant is not present in population databases (gnomAD no frequency). This variant has not been reported in the literature in individuals affected with CACNA1E-related conditions. ClinVar contains an entry for this variant (Variation ID: 3677346). Variants that disrupt the consensus splice site are a relatively common cause of aberrant splicing (PMID: 17576681, 9536098). Algorithms developed to predict the effect of sequence changes on RNA splicing suggest that this variant is not likely to affect RNA splicing. In summary, the available evidence is currently insufficient to determine the role of this variant in disease. Therefore, it has been classified as a Variant of Uncertain Significance.

Literature cited by the submitters: PubMed 17576681; PubMed 9536098.